The following is an entry in ClinVar:

NM_138420.4(AHNAK2):c.10698G>A (p.Thr3566=)

Gene: AHNAK2 (AHNAK nucleoprotein 2; minus strand). Cytogenetic location: 14q32.33.
Variant type: single nucleotide variant.
Coding change: c.10698G>A on transcript NM_138420.4 (MANE Select); coding-DNA position 10698, G replaced by A.
Protein change: p.Thr3566=; no amino-acid change (threonine 3566 retained).
Molecular consequence: synonymous variant.
Genome position (GRCh38, 1-based): chr14:104,944,753, C>T on the plus strand (G>A on the coding strand, the complement: AHNAK2 is on the minus strand). VCF-style: chr14-104944753-C-T. GRCh37 (hg19) VCF-style: chr14-105411090-C-T.
Other names: c.10398G>A, p.Thr3466= (NM_001350929.2).
Identifiers: ClinVar variation 2644662 (VCV002644662.24), dbSNP rs369188718, ClinGen allele CA7379002.

ClinVar aggregate classification (germline): Likely benign (1 of 4 stars; one submission).

Allele frequency attached by ClinVar (database versions not stated): ExAC 0.00013; 1000 Genomes Project 0.00040.

Submission:

CeGaT Center for Human Genetics Tuebingen
Classification: Likely benign. Last evaluated: 2022-04-01. Review status: criteria provided, single submitter. Criteria: CeGaT Center For Human Genetics Tuebingen Variant Classification Criteria Version 2. Collection method: clinical testing. Allele origin: germline. Affected: yes. Observed: 1 variant allele.
Comment: AHNAK2: BP4, BP7